The following is an entry in ClinVar:

NM_004064.5(CDKN1B):c.151G>T (p.Asp51Tyr)

Gene: CDKN1B (cyclin dependent kinase inhibitor 1B; plus strand). Cytogenetic location: 12p13.1.
Variant type: single nucleotide variant.
Coding change: c.151G>T on transcript NM_004064.5 (MANE Select); coding-DNA position 151, G replaced by T.
Protein change: p.Asp51Tyr; replaces aspartic acid 51 with tyrosine.
Molecular consequence: missense variant.
Genome position (GRCh38, 1-based): chr12:12,717,990, G>T. VCF-style: chr12-12717990-G-T. GRCh37 (hg19) VCF-style: chr12-12870924-G-T.
Other names: short protein forms D51Y.
Identifiers: ClinVar variation 536837 (VCV000536837.14), dbSNP rs369554045, ClinGen allele CA6457394.

ClinVar aggregate classification (germline): Uncertain significance. Review status: criteria provided, multiple submitters, no conflicts (2 of 4 stars). 2 submissions from 2 submitters: Uncertain significance (2). Last evaluated 2025-03-28.

Conditions:
Multiple endocrine neoplasia type 4. Also called: MULTIPLE ENDOCRINE NEOPLASIA, TYPE IV. Identifiers: Orphanet 276152, MedGen C1970712, MONDO:0012552, OMIM 610755.
Hereditary cancer-predisposing syndrome. Also called: Neoplastic Syndromes, Hereditary; Tumor predisposition; Hereditary Cancer Syndrome; Hereditary neoplastic syndrome. Identifiers: Orphanet 140162, MedGen C0027672, MeSH D009386, MONDO:0015356.

Allele frequency attached by ClinVar (database versions not stated): gnomAD exomes below 0.00001 and 0.00003; ExAC 0.00001; gnomAD 0.00001; TOPMed 0.00001; ESP Exome Variant Server 0.00008.

Submissions (2):

Ambry Genetics
Classification: Uncertain significance for Hereditary cancer-predisposing syndrome. Last evaluated: 2025-03-28. Review status: criteria provided, single submitter. Criteria: Ambry Variant Classification Scheme 2023. Collection method: clinical testing. Allele origin: germline.
Comment: The p.D51Y variant (also known as c.151G>T), located in coding exon 1 of the CDKN1B gene, results from a G to T substitution at nucleotide position 151. The aspartic acid at codon 51 is replaced by tyrosine, an amino acid with highly dissimilar properties. This amino acid position is not well conserved in available vertebrate species. In addition, the in silico prediction for this alteration is inconclusive. Based on the available evidence, the clinical significance of this variant remains unclear.

Labcorp Genetics (formerly Invitae), Labcorp
Classification: Uncertain significance for Multiple endocrine neoplasia type 4. Last evaluated: 2025-02-10. Review status: criteria provided, single submitter. Criteria: Invitae Variant Classification Sherloc (09022015). Collection method: clinical testing. Allele origin: germline.
Comment: This sequence change replaces aspartic acid, which is acidic and polar, with tyrosine, which is neutral and polar, at codon 51 of the CDKN1B protein (p.Asp51Tyr). This variant is present in population databases (rs369554045, gnomAD 0.0009%). This variant has not been reported in the literature in individuals affected with CDKN1B-related conditions. ClinVar contains an entry for this variant (Variation ID: 536837). An algorithm developed to predict the effect of missense changes on protein structure and function (PolyPhen-2) suggests that this variant is likely to be disruptive. In summary, the available evidence is currently insufficient to determine the role of this variant in disease. Therefore, it has been classified as a Variant of Uncertain Significance.